The following is an entry in ClinVar:

NM_004356.4(CD81):c.23A>G (p.Lys8Arg)

Genes: CD81 (CD81 molecule; plus strand), CD81-AS1 (CD81 antisense RNA 1; minus strand). Cytogenetic location: 11p15.5.
Variant type: single nucleotide variant.
Coding change: c.23A>G on transcript NM_004356.4 (MANE Select); coding-DNA position 23, A replaced by G.
Protein change: p.Lys8Arg; replaces lysine 8 with arginine.
Molecular consequence: missense variant. On other transcripts: intron variant (1).
Genome position (GRCh38, 1-based): chr11:2,377,572, A>G. VCF-style: chr11-2377572-A-G. GRCh37 (hg19) VCF-style: chr11-2398802-A-G.
Other names: c.-187A>G (NM_001425130.1); c.23A>G, p.Lys8Arg (NM_001425135.1, NM_001425137.1); c.-148+1215A>G (NM_001297649.2); short protein forms K8R.
Identifiers: ClinVar variation 3012444 (VCV003012444.3), dbSNP rs761080989, ClinGen allele CA5819751.

ClinVar aggregate classification (germline): Uncertain significance (1 of 4 stars; one submission).

Allele frequency attached by ClinVar (database versions not stated): ExAC 0.00002; gnomAD 0.00001; TOPMed 0.00001.
gnomAD v4.1: 8 of 1,519,556 alleles (0.00053%); highest among the groups gnomAD compares: African/African-American, 0.0072%; no homozygotes.

Submission:

Labcorp Genetics (formerly Invitae), Labcorp
Classification: Uncertain significance. Last evaluated: 2026-01-26. Review status: criteria provided, single submitter. Criteria: Invitae Variant Classification Sherloc (09022015). Collection method: clinical testing. Allele origin: germline.
Comment: This sequence change replaces lysine, which is basic and polar, with arginine, which is basic and polar, at codon 8 of the CD81 protein (p.Lys8Arg). This variant is present in population databases (rs761080989, gnomAD 0.006%). This variant has not been reported in the literature in individuals affected with CD81-related conditions. ClinVar contains an entry for this variant (Variation ID: 3012444). An algorithm developed to predict the effect of missense changes on protein structure and function (PolyPhen-2) suggests that this variant is likely to be tolerated. In summary, the available evidence is currently insufficient to determine the role of this variant in disease. Therefore, it has been classified as a Variant of Uncertain Significance.